The following is an entry in ClinVar:

NM_006295.3(VARS1):c.3622C>T (p.Arg1208Ter)

Gene: VARS1 (valyl-tRNA synthetase 1; minus strand). Cytogenetic location: 6p21.33.
Variant type: single nucleotide variant.
Coding change: c.3622C>T on transcript NM_006295.3 (MANE Select); coding-DNA position 3622, C replaced by T.
Protein change: p.Arg1208Ter; replaces arginine 1208 with a stop codon.
Molecular consequence: nonsense.
Genome position (GRCh38, 1-based): chr6:31,779,071, G>A on the plus strand (C>T on the coding strand, the complement: VARS1 is on the minus strand). VCF-style: chr6-31779071-G-A. GRCh37 (hg19) VCF-style: chr6-31746848-G-A.
Other names: short protein forms R1208*.
Identifiers: ClinVar variation 873441 (VCV000873441.2), dbSNP rs776596987, ClinGen allele CA3722632.
Genomic context (GRCh38, chr6:31,779,071, plus strand): 5'-GATAGCCCGAGGCAGCACGGCGTTCCCGCAGACGCTGGGCCTGCCGCTGGGCCTCAACTC[G>A]CTTGGCTTGCAGCTTGCCCAGCTCCCGTGCAGGGTCCACCAGCCCCTGAAGCTGCAGGTG-3'

ClinVar aggregate classification (germline): Pathogenic/Likely pathogenic. Review status: criteria provided, multiple submitters, no conflicts (2 of 4 stars). 2 submissions from 2 submitters: Pathogenic (1); Likely pathogenic (1). Last evaluated 2023-10-24.

Conditions:
Neurodevelopmental disorder with microcephaly, seizures, and cortical atrophy. Identifiers: MedGen C4540493, MONDO:0060621, OMIM 617802.

Allele frequency attached by ClinVar (database versions not stated): TOPMed below 0.00001; gnomAD 0.00001; ExAC 0.00001.
gnomAD v4.1: 14 of 1,612,382 alleles (0.00087%); highest among the groups gnomAD compares: Admixed American, 0.013%; no homozygotes.

Submissions (2):

Women's Health and Genetics/Laboratory Corporation of America, LabCorp
Classification: Pathogenic for Neurodevelopmental disorder with microcephaly, seizures, and cortical atrophy. Last evaluated: 2023-10-24. Review status: criteria provided, single submitter. Criteria: LabCorp Variant Classification Summary - May 2015. Collection method: clinical testing. Allele origin: germline.
Comment: Variant summary: VARS1 c.3622C>T (p.Arg1208X) results in a premature termination codon, predicted to cause absence of the protein due to nonsense mediated decay, which is a commonly known mechanism for disease. The variant allele was found at a frequency of 2.1e-05 in 243740 control chromosomes (gnomAD). c.3622C>T has been reported in the literature in an individual(s) affected with a Neurodevelopmental Disorder (Halfmeyer_2022). The following publication has been ascertained in the context of this evaluation (PMID: 36672771). One submitter has cited a clinical-significance assessment for this variant to ClinVar after 2014 and has classified the variant as likely pathogenic. Based on the evidence outlined above, the variant was classified as pathogenic.

Institute of Human Genetics, University of Leipzig Medical Center
Classification: Likely pathogenic for Neurodevelopmental disorder with microcephaly, seizures, and cortical atrophy. Last evaluated: 2019-10-01. Review status: criteria provided, single submitter. Criteria: ACMG Guidelines, 2015. Collection method: clinical testing. Allele origin: germline. Affected: yes.
Comment: The variant was confirmed as compound heterozygous with a variant of uncertain significance (NM_006295.2: c.1014G>T).

Literature cited by the submitters: PubMed 36672771 (cited by Women's Health and Genetics/Laboratory Corporation of America, LabCorp).